The following is an entry in ClinVar:

ClinVar aggregate classification (germline): Uncertain significance (1 of 4 stars; one submission).

gnomAD v4.1: 20 of 1,613,996 alleles (0.0012%); highest among the groups gnomAD compares: South Asian, 0.022%; 2 homozygotes.

Submission:

Ambry Genetics
Classification: Uncertain significance. Last evaluated: 2025-01-30. Review status: criteria provided, single submitter. Criteria: Ambry Variant Classification Scheme 2023. Collection method: clinical testing. Allele origin: germline.
Comment: The p.T1078A variant (also known as c.3232A>G), located in coding exon 1 of the TET2 gene, results from an A to G substitution at nucleotide position 3232. The threonine at codon 1078 is replaced by alanine, an amino acid with similar properties. This amino acid position is conserved. In addition, this alteration is predicted to be tolerated by in silico analysis. Based on the available evidence, the clinical significance of this variant remains unclear.

NM_001127208.3(TET2):c.3232A>G (p.Thr1078Ala)

Genes: TET2 (tet methylcytosine dioxygenase 2; plus strand), TET2-AS1 (TET2 antisense RNA 1; minus strand). Cytogenetic location: 4q24.
Variant type: single nucleotide variant.
Coding change: c.3232A>G on transcript NM_001127208.3 (MANE Select); coding-DNA position 3232, A replaced by G.
Protein change: p.Thr1078Ala; replaces threonine 1078 with alanine.
Molecular consequence: missense variant.
Genome position (GRCh38, 1-based): chr4:105,237,174, A>G. VCF-style: chr4-105237174-A-G. GRCh37 (hg19) VCF-style: chr4-106158331-A-G.
Other names: c.3232A>G, p.Thr1078Ala (NM_017628.4); short protein forms T1078A.
Identifiers: ClinVar variation 3806013 (VCV003806013.1).